The following is an entry in ClinVar:

NM_001346754.2(PIGW):c.323C>T (p.Pro108Leu)

Genes: MYO19 (myosin XIX; minus strand), PIGW (phosphatidylinositol glycan anchor biosynthesis class W; plus strand). Cytogenetic location: 17q12.
Variant type: single nucleotide variant.
Coding change: c.323C>T on transcript NM_001346754.2 (MANE Select); coding-DNA position 323, C replaced by T.
Protein change: p.Pro108Leu; replaces proline 108 with leucine.
Molecular consequence: missense variant.
Genome position (GRCh38, 1-based): chr17:36,537,424, C>T. VCF-style: chr17-36537424-C-T. GRCh37 (hg19) VCF-style: chr17-34893273-C-T.
Other names: c.323C>T, p.Pro108Leu (NM_001346755.2, NM_178517.5); short protein forms P108L.
Identifiers: ClinVar variation 2106966 (VCV002106966.4), dbSNP rs2510226730, ClinGen allele CA399162427.

ClinVar aggregate classification (germline): Uncertain significance (1 of 4 stars; one submission).

Conditions:
Hyperphosphatasia with intellectual disability syndrome 5 (GPIBD11). Also called: GLYCOSYLPHOSPHATIDYLINOSITOL BIOSYNTHESIS DEFECT 11. Identifiers: Orphanet 247262, MedGen C4014958, MONDO:0014457, OMIM 616025.

Allele frequency attached by ClinVar (database versions not stated): gnomAD exomes below 0.00001.
gnomAD v4.1: 3 of 1,614,112 alleles (0.00019%); highest among the groups gnomAD compares: Non-Finnish European, 0.00025%; no homozygotes.

Submission:

Labcorp Genetics (formerly Invitae), Labcorp
Classification: Uncertain significance for Hyperphosphatasia with intellectual disability syndrome 5. Last evaluated: 2024-10-15. Review status: criteria provided, single submitter. Criteria: Invitae Variant Classification Sherloc (09022015). Collection method: clinical testing. Allele origin: germline.
Comment: This sequence change replaces proline, which is neutral and non-polar, with leucine, which is neutral and non-polar, at codon 108 of the PIGW protein (p.Pro108Leu). This variant is not present in population databases (gnomAD no frequency). This variant has not been reported in the literature in individuals affected with PIGW-related conditions. ClinVar contains an entry for this variant (Variation ID: 2106966). An algorithm developed to predict the effect of missense changes on protein structure and function (PolyPhen-2) suggests that this variant is likely to be disruptive. In summary, the available evidence is currently insufficient to determine the role of this variant in disease. Therefore, it has been classified as a Variant of Uncertain Significance.